The following is an entry in ClinVar:

NM_000199.5(SGSH):c.356-1G>A

Gene: SGSH (N-sulfoglucosamine sulfohydrolase; minus strand). Cytogenetic location: 17q25.3.
Variant type: single nucleotide variant.
Coding change: c.356-1G>A on transcript NM_000199.5 (MANE Select); the canonical splice acceptor site of the intron before coding-DNA position 356, G replaced by A.
Molecular consequence: splice acceptor variant.
Genome position (GRCh38, 1-based): chr17:80,214,766, C>T on the plus strand (G>A on the coding strand, the complement: SGSH is on the minus strand). VCF-style: chr17-80214766-C-T. GRCh37 (hg19) VCF-style: chr17-78188565-C-T.
Other names: c.356-1G>A (NM_001352921.3, NM_001352922.2, NM_000199.4).
Identifiers: ClinVar variation 553818 (VCV000553818.14), dbSNP rs1555621984, ClinGen allele CA401363396.

ClinVar aggregate classification (germline): Pathogenic/Likely pathogenic. Review status: criteria provided, multiple submitters, no conflicts (2 of 4 stars). 4 submissions from 4 submitters: Pathogenic (1); Likely pathogenic (2). 1 of the submissions does not count toward it. Last evaluated 2024-10-04.

Conditions:
Mucopolysaccharidosis, MPS-III-A (MPS3A). Also called: SANFILIPPO SYNDROME A; SULFAMIDASE DEFICIENCY; MPS III A; MUCOPOLYSACCHARIDOSIS, TYPE IIIA, ATTENUATED; Mucopolysaccharidosis type IIIA (Sanfilippo A); MPS IIIA (Sanfilippo Syndrome Type A). Identifiers: Orphanet 581, Orphanet 79269, MedGen C0086647, MONDO:0009655, OMIM 252900.

Allele frequency attached by ClinVar (database versions not stated): gnomAD exomes below 0.00001.
gnomAD v4.1: 1 of 1,611,042 alleles (0.000062%); highest among the groups gnomAD compares: Admixed American, 0.0017%; no homozygotes.

Submissions (4):

Natera, Inc.
Classification: Likely pathogenic for Mucopolysaccharidosis type IIIA. Last evaluated: 2024-10-04. Review status: criteria provided, single submitter. Criteria: Natera Variant Classification Schema (03/2026). Collection method: clinical testing. Allele origin: germline.
Comment: The c.356-1G>A variant in SGSH is a canonical splice acceptor site variant predicted to affect pre-mRNA splicing, which may result in an abnormal transcript and altered protein product. This variant is expected to result in nonsense mediated decay, truncation, or a dysfunctional protein product. This variant is rare in the general population with a frequency below the threshold expected for the associated phenotype(s). Given the available evidence, this variant is classified as Likely Pathogenic.

Labcorp Genetics (formerly Invitae), Labcorp
Classification: Likely pathogenic for Mucopolysaccharidosis, MPS-III-A. Last evaluated: 2022-02-21. Review status: criteria provided, single submitter. Criteria: Invitae Variant Classification Sherloc (09022015). Collection method: clinical testing. Allele origin: germline.
Comment: This variant is not present in population databases (gnomAD no frequency). This sequence change affects an acceptor splice site in intron 3 of the SGSH gene. It is expected to disrupt RNA splicing. Variants that disrupt the donor or acceptor splice site typically lead to a loss of protein function (PMID: 16199547), and loss-of-function variants in SGSH are known to be pathogenic (PMID: 11182930, 21204211, 22976768). This variant has not been reported in the literature in individuals affected with SGSH-related conditions. In summary, the currently available evidence indicates that the variant is pathogenic, but additional data are needed to prove that conclusively. Therefore, this variant has been classified as Likely Pathogenic. Algorithms developed to predict the effect of sequence changes on RNA splicing suggest that this variant may disrupt the consensus splice site. ClinVar contains an entry for this variant (Variation ID: 553818).

Revvity Omics, Revvity
Classification: Pathogenic for Mucopolysaccharidosis, MPS-III-A. Last evaluated: 2020-03-31. Review status: criteria provided, single submitter. Criteria: ACMG Guidelines, 2015. Collection method: clinical testing. Allele origin: germline.

Counsyl
Classification: Likely pathogenic for Mucopolysaccharidosis, MPS-III-A. Last evaluated: 2017-09-08. Review status: no assertion criteria provided. Collection method: clinical testing. Allele origin: unknown. Not counted in ClinVar's aggregate classification.

Literature cited by the submitters: PubMed 16199547 (cited by Labcorp Genetics (formerly Invitae), Labcorp); PubMed 11182930 (cited by Labcorp Genetics (formerly Invitae), Labcorp); PubMed 21204211 (cited by Labcorp Genetics (formerly Invitae), Labcorp); PubMed 22976768 (cited by Labcorp Genetics (formerly Invitae), Labcorp).